The following is an entry in ClinVar:

NM_020549.5(CHAT):c.1834G>C (p.Val612Leu)

Gene: CHAT (choline O-acetyltransferase; plus strand). Cytogenetic location: 10q11.23.
Variant type: single nucleotide variant.
Coding change: c.1834G>C on transcript NM_020549.5 (MANE Select); coding-DNA position 1834, G replaced by C.
Protein change: p.Val612Leu; replaces valine 612 with leucine.
Molecular consequence: missense variant.
Genome position (GRCh38, 1-based): chr10:49,655,443, G>C. VCF-style: chr10-49655443-G-C. GRCh37 (hg19) VCF-style: chr10-50863489-G-C.
Other names: c.1480G>C, p.Val494Leu (NM_001142929.2, NM_001142934.2, NM_020984.4 and 2 more transcripts); c.1588G>C, p.Val530Leu (NM_001142933.2); short protein forms V612L, V494L, V530L.
Identifiers: ClinVar variation 2904738 (VCV002904738.3), dbSNP rs751100162, ClinGen allele CA5497639.

ClinVar aggregate classification (germline): Uncertain significance (1 of 4 stars; one submission).

Conditions:
Familial infantile myasthenia (CMS6). Also called: MYASTHENIC SYNDROME, PRESYNAPTIC, CONGENITAL, ASSOCIATED WITH EPISODIC APNEA; Congenital myasthenic syndrome type 6; MYASTHENIC SYNDROME, CONGENITAL, 6, PRESYNAPTIC. Identifiers: Orphanet 590, MedGen C0393929, MONDO:0009689, OMIM 254210.

Allele frequency attached by ClinVar (database versions not stated): ExAC 0.00001.
gnomAD v4.1: 6 of 1,613,872 alleles (0.00037%); highest among the groups gnomAD compares: Non-Finnish European, 0.00051%; no homozygotes.

Submission:

Labcorp Genetics (formerly Invitae), Labcorp
Classification: Uncertain significance for Familial infantile myasthenia. Last evaluated: 2024-12-03. Review status: criteria provided, single submitter. Criteria: Invitae Variant Classification Sherloc (09022015). Collection method: clinical testing. Allele origin: germline.
Comment: This sequence change replaces valine, which is neutral and non-polar, with leucine, which is neutral and non-polar, at codon 612 of the CHAT protein (p.Val612Leu). This variant is present in population databases (rs751100162, gnomAD 0.003%). This variant has not been reported in the literature in individuals affected with CHAT-related conditions. ClinVar contains an entry for this variant (Variation ID: 2904738). Invitae Evidence Modeling of protein sequence and biophysical properties (such as structural, functional, and spatial information, amino acid conservation, physicochemical variation, residue mobility, and thermodynamic stability) indicates that this missense variant is not expected to disrupt CHAT protein function with a negative predictive value of 95%. In summary, the available evidence is currently insufficient to determine the role of this variant in disease. Therefore, it has been classified as a Variant of Uncertain Significance.